The following is an entry in ClinVar:

ClinVar aggregate classification (germline): Conflicting classifications of pathogenicity. Review status: criteria provided, conflicting classifications (1 of 4 stars). 2 submissions from 2 submitters: Uncertain significance (1); Likely benign (1). Last evaluated 2025-12-22.

Conditions:
Xeroderma pigmentosum (XP). Identifiers: Orphanet 910, MedGen C0043346, MONDO:0019600.

Allele frequency attached by ClinVar (database versions not stated): ExAC 0.00003; gnomAD exomes 0.00004.
gnomAD v4.1: 46 of 1,613,824 alleles (0.0029%); highest among the groups gnomAD compares: African/African-American, 0.015%; no homozygotes.

Submissions (2):

Labcorp Genetics (formerly Invitae), Labcorp
Classification: Likely benign. Last evaluated: 2025-12-22. Review status: criteria provided, single submitter. Criteria: Invitae Variant Classification Sherloc (09022015). Collection method: clinical testing. Allele origin: germline.

Sema4
Classification: Uncertain significance for Xeroderma pigmentosum. Last evaluated: 2021-05-12. Review status: criteria provided, single submitter. Criteria: Sema4 Curation Guidelines. Collection method: curation. Allele origin: germline.
Comment: The ERCC3 c.1854G>A (p.P618=) variant has not been reported in the literature to our knowledge. It was observed in 7/24962 chromosomes of the African/African American subpopulation in the large and broad cohorts of the Genome Aggregation Database. The variant has been reported in ClinVar (Variation ID 1026430). In silico tools suggest that the variant may create or strenghten a cryptic splice site, though these predictions have not been confirmed by functional studies. The evidence is insufficient to meet ACMG/AMP criteria for classifying the variant as benign or pathogenic. Thus, the clinical significance of this variant is currently uncertain.

NM_000122.2(ERCC3):c.1854G>A (p.Pro618=)

Gene: ERCC3 (ERCC excision repair 3, TFIIH core complex helicase subunit; minus strand). Cytogenetic location: 2q14.3.
Variant type: single nucleotide variant.
Coding change: c.1854G>A on transcript NM_000122.2 (MANE Select); coding-DNA position 1854, G replaced by A.
Protein change: p.Pro618=; no amino-acid change (proline 618 retained).
Molecular consequence: synonymous variant.
Genome position (GRCh38, 1-based): chr2:127,271,427, C>T on the plus strand (G>A on the coding strand, the complement: ERCC3 is on the minus strand). VCF-style: chr2-127271427-C-T. GRCh37 (hg19) VCF-style: chr2-128029003-C-T.
Other names: c.1662G>A, p.Pro554= (NM_001303416.2, NM_001303418.2).
Identifiers: ClinVar variation 1026430 (VCV001026430.9), dbSNP rs765724086, ClinGen allele CA1858154.